The following is an entry in ClinVar:

NM_004655.4(AXIN2):c.1918A>G (p.Thr640Ala)

Gene: AXIN2 (axin 2; minus strand). Cytogenetic location: 17q24.1.
Variant type: single nucleotide variant.
Coding change: c.1918A>G on transcript NM_004655.4 (MANE Select); coding-DNA position 1918, A replaced by G.
Protein change: p.Thr640Ala; replaces threonine 640 with alanine.
Molecular consequence: missense variant.
Genome position (GRCh38, 1-based): chr17:65,536,543, T>C on the plus strand (A>G on the coding strand, the complement: AXIN2 is on the minus strand). VCF-style: chr17-65536543-T-C. GRCh37 (hg19) VCF-style: chr17-63532661-T-C.
Other names: c.1723A>G, p.Thr575Ala (NM_001363813.1); c.1918A>G (LRG_296t1); short protein forms T575A, T640A.
Identifiers: ClinVar variation 654760 (VCV000654760.13), dbSNP rs1060502157, ClinGen allele CA400676337.

ClinVar aggregate classification (germline): Conflicting classifications of pathogenicity. Review status: criteria provided, conflicting classifications (1 of 4 stars). 3 submissions from 3 submitters: Uncertain significance (2); Likely benign (1). Last evaluated 2025-06-02.

Conditions:
Oligodontia-cancer predisposition syndrome. Also called: TOOTH AGENESIS-COLORECTAL CANCER SYNDROME. Identifiers: Orphanet 300576, MedGen C1837750, MONDO:0012075, OMIM 608615. Disease mechanism: loss of function.
Hereditary cancer-predisposing syndrome. Also called: Hereditary neoplastic syndrome; Tumor predisposition; Neoplastic Syndromes, Hereditary; Hereditary Cancer Syndrome. Identifiers: Orphanet 140162, MedGen C0027672, MeSH D009386, MONDO:0015356.

gnomAD v4.1: 1 of 1,613,728 alleles (0.000062%); highest among the groups gnomAD compares: Admixed American, 0.0017%; no homozygotes.

Submissions (3):

Labcorp Genetics (formerly Invitae), Labcorp
Classification: Uncertain significance for Oligodontia-cancer predisposition syndrome. Last evaluated: 2025-06-02. Review status: criteria provided, single submitter. Criteria: Invitae Variant Classification Sherloc (09022015). Collection method: clinical testing. Allele origin: germline.
Comment: This sequence change replaces threonine, which is neutral and polar, with alanine, which is neutral and non-polar, at codon 640 of the AXIN2 protein (p.Thr640Ala). This variant is not present in population databases (gnomAD no frequency). This variant has not been reported in the literature in individuals affected with AXIN2-related conditions. ClinVar contains an entry for this variant (Variation ID: 654760). Invitae Evidence Modeling of protein sequence and biophysical properties (such as structural, functional, and spatial information, amino acid conservation, physicochemical variation, residue mobility, and thermodynamic stability) indicates that this missense variant is not expected to disrupt AXIN2 protein function with a negative predictive value of 80%. In summary, the available evidence is currently insufficient to determine the role of this variant in disease. Therefore, it has been classified as a Variant of Uncertain Significance.

Ambry Genetics
Classification: Likely benign for Hereditary cancer-predisposing syndrome. Last evaluated: 2024-02-26. Review status: criteria provided, single submitter. Criteria: Ambry Variant Classification Scheme 2023. Collection method: clinical testing. Allele origin: germline.

GeneDx
Classification: Uncertain significance. Last evaluated: 2022-10-04. Review status: criteria provided, single submitter. Criteria: GeneDx Variant Classification Process June 2021. Collection method: clinical testing. Allele origin: germline. Affected: yes.
Comment: Not observed at significant frequency in large population cohorts (gnomAD); In silico analysis supports that this missense variant does not alter protein structure/function; Has not been previously published as pathogenic or benign to our knowledge; This variant is associated with the following publications: (PMID: 15735151)